The following is an entry in ClinVar:

NM_001291415.2(KDM6A):c.3492_3494dup (p.Val1165_Ser1166insVal)

Gene: KDM6A (lysine demethylase 6A; plus strand). Cytogenetic location: Xp11.3.
Variant type: Duplication.
Coding change: c.3492_3494dup on transcript NM_001291415.2 (MANE Select); coding-DNA positions 3492 to 3494, 3 bases duplicated (CGT; older notation c.3492_3494dupCGT).
Protein change: p.Val1165_Ser1166insVal.
Molecular consequence: inframe insertion. On other transcripts: non-coding transcript variant (1).
Genome position (GRCh38, 1-based): chrX:45,083,511-45,083,513, CGT duplicated; duplicating any 3 consecutive bases within chrX:45,083,509-45,083,513 gives the same sequence; the c. name uses the placement nearest the transcript's 3' end. VCF-style (leftmost placement, unchanged base first): chrX-45083508-T-TGTC. GRCh37 (hg19) VCF-style: chrX-44942753-T-TGTC.
Other names: c.3234_3236dup, p.Val1079_Ser1080insVal (NM_001419814.1, NM_001410742.1); c.3099_3101dup, p.Val1034_Ser1035insVal (NM_001419815.1, NM_001291418.2); c.3336_3338dup, p.Val1113_Ser1114insVal (NM_021140.4, NM_001419812.1); c.3357_3359dup, p.Val1120_Ser1121insVal (NM_001291416.2, NM_001419811.1); c.3201_3203dup, p.Val1068_Ser1069insVal (NM_001291417.2); c.2448_2450dup, p.Val817_Ser818insVal (NM_001291421.2); c.3492_3494dup, p.Val1165_Ser1166insVal (NM_001419809.1); c.3390_3392dup, p.Val1131_Ser1132insVal (NM_001419810.1, NM_001419813.1).
Identifiers: ClinVar variation 4684992 (VCV004684992.1).

ClinVar aggregate classification (germline): Uncertain significance (1 of 4 stars; one submission).

Conditions:
Kabuki syndrome 2 (KABUK2). Also called: KDM6A-Related Kabuki Syndrome. Identifiers: Orphanet 2322, MedGen C3275495, MONDO:0010465, OMIM 300867.

Submission:

Kasturba Medical College, Manipal, Kasturba Medical College, Manipal, Manipal Academy of Higher Education, Manipal, India
Classification: Uncertain significance for Kabuki syndrome 2. Last evaluated: 2025-12-27. Review status: criteria provided, single submitter. Criteria: ACMG Guidelines, 2015. Collection method: research. Allele origin: de novo. Inheritance: X-linked dominant inheritance. Affected: yes. Observed: 1 hemizygote.
Comment: Sanger and trio exome sequencing results are suggestive of ~ 30% mosaicism for the mutant and ~70% for the wild-type alleles in DNA extracted from peripheral blood. This variant is not present in heterozygous and/or homozygous state in the population database gnomAD (v4.1.0) and our in-house database of 3738 individuals. KDM6A encodes a lysine-specific demethylase which is involved in chromatin remodelling, and pathogenic variants in this gene are associated with X-linked dominant, Kabuki syndrome type 2 (MIM #300867). Somatic mosaicism for pathogenic variants in KDM6A has been previously reported to cause Kabuki syndrome (Kawai et al., 2023).

Literature cited by the submitters: PubMed 37379880.